The following is an entry in ClinVar:

ClinVar aggregate classification (germline): Uncertain significance (1 of 4 stars; one submission).

Allele frequency attached by ClinVar (database versions not stated): gnomAD 0.00001.
gnomAD v4.1: 20 of 1,612,610 alleles (0.0012%); highest among the groups gnomAD compares: Non-Finnish European, 0.0016%; no homozygotes.

Submission:

Labcorp Genetics (formerly Invitae), Labcorp
Classification: Uncertain significance. Last evaluated: 2022-12-14. Review status: criteria provided, single submitter. Criteria: Invitae Variant Classification Sherloc (09022015). Collection method: clinical testing. Allele origin: germline.
Comment: In summary, the available evidence is currently insufficient to determine the role of this variant in disease. Therefore, it has been classified as a Variant of Uncertain Significance. Advanced modeling of protein sequence and biophysical properties (such as structural, functional, and spatial information, amino acid conservation, physicochemical variation, residue mobility, and thermodynamic stability) performed at Invitae indicates that this missense variant is expected to disrupt CLUAP1 protein function. This variant has not been reported in the literature in individuals affected with CLUAP1-related conditions. This variant is present in population databases (no rsID available, gnomAD 0.007%). This sequence change replaces arginine, which is basic and polar, with glutamine, which is neutral and polar, at codon 230 of the CLUAP1 protein (p.Arg230Gln).

NM_015041.3(CLUAP1):c.689G>A (p.Arg230Gln)

Gene: CLUAP1 (clusterin associated protein 1; plus strand). Cytogenetic location: 16p13.3.
Variant type: single nucleotide variant.
Coding change: c.689G>A on transcript NM_015041.3 (MANE Select); coding-DNA position 689, G replaced by A.
Protein change: p.Arg230Gln; replaces arginine 230 with glutamine.
Molecular consequence: missense variant.
Genome position (GRCh38, 1-based): chr16:3,520,012, G>A. VCF-style: chr16-3520012-G-A. GRCh37 (hg19) VCF-style: chr16-3570012-G-A.
Other names: c.689G>A, p.Arg230Gln (NM_001330454.2); c.191G>A, p.Arg64Gln (NM_024793.3); short protein forms R230Q, R64Q.
Identifiers: ClinVar variation 2959746 (VCV002959746.3), dbSNP rs866824176, ClinGen allele CA276934814.